The following continues an entry in ClinVar:

NM_001042492.3(NF1):c.5488C>T (p.Arg1830Cys)

Gene: NF1. ClinVar aggregate classification (germline): Pathogenic. Pathogenic (33).

Submissions 11 to 21 of 37:

3billion
Classification: Pathogenic for Neurofibromatosis, type 1. Last evaluated: 2025-01-24. Review status: criteria provided, single submitter. Criteria: ACMG Guidelines, 2015. Collection method: clinical testing. Allele origin: germline. Affected: yes.
Comment: The variant is observed at an extremely low frequency in the gnomAD v4.1.0 dataset (total allele frequency: <0.001%). Predicted Consequence/Location: Missense variant In silico tool predictions suggest damaging effect of the variant on gene or gene product [REVEL: 0.92 (>=0.6, sensitivity 0.68 and specificity 0.92); 3Cnet: 0.99 (>=0.6, sensitivity 0.72 and precision 0.9)]. The same nucleotide change resulting in the same amino acid change has been previously reported as pathogenic/likely pathogenic with strong evidence (ClinVar ID: VCV000208853 /PMID: 18183640 /3billion dataset). The variant has been observed in multiple (>3) similarly affected unrelated individuals (PMID: 12807981, 19120036, 24357598, 24789688). Different missense changes at the same codon (p.Arg1830Gly, p.Arg1830His, p.Arg1830Leu, p.Arg1830Pro, p.Arg1830Ser) have been reported as pathogenic/likely pathogenic with strong evidence (ClinVar ID: VCV000208854, VCV000208855, VCV000208856, VCV000208857, VCV000404482 /PMID: 16944272, 19292874, 25966637). Therefore, this variant is classified as Pathogenic according to the recommendation of ACMG/AMP guideline.

NHS Central & South Genomic Laboratory Hub
Classification: Pathogenic for Neurofibromatosis type 1. Last evaluated: 2024-11-11. Review status: criteria provided, single submitter. Criteria: ACMG Guidelines, 2015. Collection method: clinical testing. Allele origin: germline. Affected: yes.

Blueprint Genetics
Classification: Pathogenic for NF1-related disorders. Last evaluated: 2024-10-21. Review status: criteria provided, single submitter. Criteria: ACMG Guidelines, 2015. Collection method: clinical testing. Allele origin: de novo. Affected: yes. Observed: 5 variant alleles.

New York Genome Center
Classification: Pathogenic for Neurofibromatosis, type 1. Last evaluated: 2024-10-02. Review status: criteria provided, single submitter. Criteria: NYGC Assertion Criteria 2020. Collection method: clinical testing. Allele origin: inherited. Observed: 1 variant allele, 1 heterozygote.
Comment: The heterozygous c.5425C>T variant in NF1 is present in ClinVar [ID: 208853] and HGMD (CM077948) and has 0.000002 allele frequency (4 alt alleles, 0 homozygotes) in the gnomAD v4.0.0 database, suggesting it is not a common benign variant in the populations represented in that database. The c.5425C>T variant has been deposited in ClinVar as pathogenic by 22 submitters [ClinVar ID:208853] and multiple times in the literature associated with neurofibromatosis [PMID:25966637, 25370043, 24357598, 36404348, 26178382, others]. The c.5425C>T variant in NF1 is located in exon 37 of this 57-exon gene, and predicted to replace a highly conserved arginine amino acid with cysteine at position 1809 in the lipid binding domain of the encoded protein (UniProt ID: P21359). In silico predictions are in favor of damaging effect for the p.(Arg1809Cys) variant [REVEL=0.919]; however, there are no functional studies to support or refute these predictions. This variant has been identified in over 110 individuals, including a study of 107 individuals from 75 families with neurofibromatosis; this study included 21 families with segregation of the c.5425C>T variant with phenotype and 15 confirmed de novo occurances [PMID: 26178382]. This variant is associated with a "Noonan-like" phenotype [PMID:36404348, 26178382] and is associated with > 5 cafe au lait macules, short stature, macrocephaly, and learning disabilities but no individuals developed plexiform neurofibromas or optic pathway gliomas while only a few individuals over the age of 8 developed cutaneous neurofibromas [PMID:26178382]. Multiple other amino acid substitutions have been observed at p.Arg1809 in individuals with neurofibromatosis: p.(Arg1809Gly), p.(Arg1809Leu), p.(Arg1809Pro), p.(Arg1809Ser) are deposited in ClinVar as pathogenic or likely pathogenic [ClinVar ID: 208857, 208854, 208855, 208856] and result in a similar "Noonan-like" phenotype [PMID:26178382]. Based on available evidence the heterozygous c.5425C>T, p.(Arg1809Cys) variant identified in NF1 is classified as Pathogenic.

Ambry Genetics
Classification: Pathogenic for Cardiovascular phenotype; Hereditary cancer-predisposing syndrome. Last evaluated: 2024-09-18. Review status: criteria provided, single submitter. Criteria: Ambry Variant Classification Scheme 2023. Collection method: clinical testing. Allele origin: germline.
Comment: The p.R1809C pathogenic mutation (also known as c.5425C>T), located in coding exon 37 of the NF1 gene, results from a C to T substitution at nucleotide position 5425. The arginine at codon 1809 is replaced by cysteine, an amino acid with highly dissimilar properties. This alteration was detected in an individual with sporadic neurofibromatosis type 1 (NF1), but was reported to be also observed in unaffected relatives (Ars E et al. J. Med. Genet. 2003; 40:e82). However, a recent study has re-evaluated the family and confirmed that all members with this alteration were affected (Rojnueangnit K et al. Hum. Mutat. 2015 Nov;36:1052-63). This alteration was then described in another proband with features of Noonan/NF1 harboring both this variant and a de novo PTPN11 alteration. Several members of the family were affected with cafe-au-lait spots, but the NF1 variant did not segregate with this feature (Nystr&ouml;m AM et al. Acta Paediatr. 2009; 98:693-8). Moreover, this alteration has also been reported in multiple families exhibiting mild forms of NF1, and to either occur de novo or segregate with the disease in a few cases (Ekvall S et al. Am. J. Med. Genet. A 2014; 164:579-87; Pinna V et al. Eur. J. Hum. Genet. 2015 Aug;23:1068-71; Santoro C et al. Eur. J. Hum. Genet. 2015 Nov;23:1460-1; Bianchessi D et al. Mol Genet Genomic Med. 2015 Nov;3:513-25; Rojnueangnit K et al. Hum. Mutat. 2015 Nov;36:1052-63). In two studies, authors described a unique phenotype seen in individuals with alterations located at p.R1809 consisting of: cafe au lait spots, skinfold freckling, Noonan-like features, and developmental delays, but not cutaneous or plexiform neurofibromas lisch nodules, osseous lesions or symptomatic optic gliomas (Shofty B et al. Semin Pediatr Neurol. 2015 Dec;22:234-9; Rojnueangnit K et al. Hum. Mutat. 2015 Nov;36:1052-63). This alteration was also detected on whole-exome sequencing n a pediatric patient with multiple cafe-au-lait spots, acanthosis nigricans, action tremor, facial palsy, degeneration of anterior horn cells, atrophy/degeneration involving motor neurons, and progressive muscle weakness (Deciphering Developmental Disorders Study. Nature. 2015 Mar;519:223-8). Another variant at the same codon, p.R1809L (c.5426G>T) has been reported in multiple individuals with features consistent with neurofibromatosis type 1; it was reported to be de novo in some individuals (Castle B et al. J. Med. Genet., 2003 Oct;40:e109; Griffiths S et al. Fam Cancer, 2007;6:21-34; Rojnueangnit K et al. Hum Mutat, 2015 Nov;36:1052-63; Santoro C et al. Eur. J. Hum. Genet., 2015 Nov;23:1460-1). The p.R1809C missense alteration is located in a region that has a low rate of benign missense variation (Lek M et al. Nature. 2016 Aug 18;536(7616):285-91; DECIPHER: Database of Chromosomal Imbalance and Phenotype in Humans using Ensembl Resources. Firth H.V. et al. 2009. Am.J.Hum.Genet. 84, 524-533 (DOI)). This variant is considered to be rare based on population cohorts in the Genome Aggregation Database (gnomAD). In addition, this alteration is predicted to be deleterious by in silico analysis. Based on the available evidence, p.R1809C is classified as a pathogenic mutation.

Genomic Medicine Center of Excellence, King Faisal Specialist Hospital and Research Centre
Classification: Pathogenic for Neurofibromatosis, type 1. Last evaluated: 2024-09-02. Review status: criteria provided, single submitter. Criteria: ACMG Guidelines, 2015. Collection method: clinical testing. Allele origin: germline.

Baylor Genetics
Classification: Pathogenic for Juvenile myelomonocytic leukemia. Last evaluated: 2024-01-03. Review status: criteria provided, single submitter. Criteria: ACMG Guidelines, 2015. Collection method: clinical testing. Allele origin: unknown.

Mayo Clinic Laboratories, Mayo Clinic
Classification: Pathogenic. Last evaluated: 2022-06-20. Review status: criteria provided, single submitter. Criteria: ACMG Guidelines, 2015. Collection method: clinical testing. Allele origin: germline. Observed: 6 variant alleles.
Comment: PP1_strong, PP2, PP3, PP4, PP5, PM2, PM6_very_strong, PS4_moderate

Victorian Clinical Genetics Services, Murdoch Childrens Research Institute
Classification: Pathogenic for Neurofibromatosis-Noonan syndrome. Last evaluated: 2022-03-31. Review status: criteria provided, single submitter. Criteria: ACMG Guidelines, 2015. Collection method: clinical testing. Allele origin: germline. Inheritance: Autosomal dominant inheritance. Affected: yes.
Comment: Based on the classification scheme VCGS_Germline_v1.3.4, this variant is classified as Pathogenic. Following criteria are met: 0102 - Loss of function is a known mechanism of disease in this gene and is associated with neurofibromatosis-Noonan syndrome (MIM#601321). (I) 0107 - This gene is associated with autosomal dominant disease. (I) 0115 - Variants in this gene are known to have variable expressivity (PMID: 20301288). (I) 0200 - Variant is predicted to result in a missense amino acid change from arginine to cysteine. (I) 0251 - This variant is heterozygous. (I) 0302 - Variant is present in gnomAD (v3) <0.001 for a dominant condition (1 heterozygote, 0 homozygotes). (SP) 0501 - Missense variant consistently predicted to be damaging by multiple in silico tools or highly conserved with a major amino acid change. (SP) 0600 - Variant is located in the annotated pleckstrin homology domain (PMID: 26178382). (I) 0701 - Other missense variants comparable to the one identified in this case have very strong previous evidence for pathogenicity. Four alternative changes at this residue have been reported in over ten individuals with neurofibromatosis (PMID: 26178382). (SP) 0801 - This variant has strong previous evidence of pathogenicity in unrelated individuals. This variant is a well-reported pathogenic variant known to cause neurofibromatosis and neurofibromatosis-Noonan syndrome (ClinVar, PMID: 26178382). (SP) 1208 - Inheritance information for this variant is not currently available in this individual. (I) Legend: (SP) - Supporting pathogenic, (I) - Information, (SB) - Supporting benign

Genome-Nilou Lab
Classification: Pathogenic for Neurofibromatosis, type 1. Last evaluated: 2022-03-15. Review status: criteria provided, single submitter. Criteria: ACMG Guidelines, 2015. Collection method: clinical testing. Allele origin: germline. Affected: no.

Fulgent Genetics
Classification: Pathogenic for Neurofibromatosis, type 1; Neurofibromatosis, familial spinal; Café-au-lait macules with pulmonary stenosis; Neurofibromatosis-Noonan syndrome; Juvenile myelomonocytic leukemia. Last evaluated: 2021-10-22. Review status: criteria provided, single submitter. Criteria: ACMG Guidelines, 2015. Collection method: clinical testing. Allele origin: unknown.